The following is an entry in ClinVar:

NM_004667.6(HERC2):c.3948C>T (p.His1316=)

Gene: HERC2 (HECT and RLD domain containing E3 ubiquitin protein ligase 2; minus strand). Cytogenetic location: 15q13.1.
Variant type: single nucleotide variant.
Coding change: c.3948C>T on transcript NM_004667.6 (MANE Select); coding-DNA position 3948, C replaced by T.
Protein change: p.His1316=; no amino-acid change (histidine 1316 retained).
Molecular consequence: synonymous variant.
Genome position (GRCh38, 1-based): chr15:28,237,018, G>A on the plus strand (C>T on the coding strand, the complement: HERC2 is on the minus strand). VCF-style: chr15-28237018-G-A. GRCh37 (hg19) VCF-style: chr15-28482164-G-A.
Identifiers: ClinVar variation 1675561 (VCV001675561.26), dbSNP rs140087429, ClinGen allele CA7442778.

ClinVar aggregate classification (germline): Likely benign. Review status: criteria provided, multiple submitters, no conflicts (2 of 4 stars). 2 submissions from 2 submitters: Likely benign (2). Last evaluated 2026-06-01.

Allele frequency attached by ClinVar (database versions not stated): 1000 Genomes Project 30x 0.00016; 1000 Genomes Project 0.00020; gnomAD 0.00044; TOPMed 0.00052; ESP Exome Variant Server 0.00054; gnomAD exomes 0.00056; ExAC 0.00058.
gnomAD v4.1: 905 of 1,611,894 alleles (0.056%); highest among the groups gnomAD compares: Middle Eastern, 0.11%; no homozygotes.

Submissions (2):

CeGaT Center for Human Genetics Tuebingen
Classification: Likely benign. Last evaluated: 2026-06-01. Review status: criteria provided, single submitter. Criteria: CeGaT Center For Human Genetics Tuebingen Variant Classification Criteria Version 2. Collection method: clinical testing. Allele origin: germline. Affected: yes. Observed: 6 variant alleles.
Comment: HERC2: BP4, BP7

Blueprint Genetics
Classification: Likely benign. Last evaluated: 2024-11-25. Review status: criteria provided, single submitter. Criteria: ACMG Guidelines, 2015. Collection method: clinical testing. Allele origin: germline.